The following is an entry in ClinVar:

ClinVar aggregate classification (germline): Likely benign (0 of 4 stars; one submission).

Conditions:
SLC25A6-related disorder. Also called: SLC25A6-related condition.

Allele frequency attached by ClinVar (database versions not stated): gnomAD exomes 0.26268; ExAC 0.28461; gnomAD 0.31038; ESP Exome Variant Server 0.31928; TOPMed 0.32048; 1000 Genomes Project 0.32265; 1000 Genomes Project 30x 0.33153.
gnomAD v4.1: 431,791 of 1,613,326 alleles (27%); highest among the groups gnomAD compares: African/African-American, 45%; 61,161 homozygotes.

Submission:

PreventionGenetics, part of Exact Sciences
Classification: Likely benign for SLC25A6-related condition. Last evaluated: 2021-02-16. Review status: no assertion criteria provided. Collection method: clinical testing. Allele origin: germline.
Comment: This variant is classified as likely benign based on ACMG/AMP sequence variant interpretation guidelines (Richards et al. 2015 PMID: 25741868, with internal and published modifications).

NM_001636.4(SLC25A6):c.408C>T (p.Phe136=)

Gene: SLC25A6 (solute carrier family 25 member 6; minus strand). Cytogenetic location: Yp11.2.
Variant type: single nucleotide variant.
Coding change: c.408C>T on transcript NM_001636.4 (MANE Select); coding-DNA position 408, C replaced by T.
Protein change: p.Phe136=; no amino-acid change (phenylalanine 136 retained).
Molecular consequence: synonymous variant.
Genome position (GRCh38, 1-based): chrX:1,389,431, G>A on the plus strand (C>T on the coding strand, the complement: SLC25A6 is on the minus strand). VCF-style: chrX-1389431-G-A. GRCh37 (hg19) VCF-style: chrX-1508324-G-A.
Identifiers: ClinVar variation 3036125 (VCV003036125.2), dbSNP rs7205, ClinGen allele CA10332485.
Genomic context (GRCh38, chrX:1,389,431, plus strand): 5'-GCCTCGGAACTCGCGCTCTGTGCCTGACTTTCCCACGTCCGCTGCCAGGCGGGTTCTGGC[G>A]AAATCCAGCGGGTACACGAAGCAGAGGGAGGTCGCGCCGGCCGCACCGCCGGAGGCCAGG-3'
Protein context (NP_001627.2, residues 126-146): TSLCFVYPLD[Phe136=]ARTRLAADVG